The following is an entry in ClinVar:

ClinVar aggregate classification (germline): Uncertain significance (1 of 4 stars; one submission).

Conditions:
Cardiovascular phenotype. Identifiers: MedGen CN230736.

Submission:

Ambry Genetics
Classification: Uncertain significance for Cardiovascular phenotype. Last evaluated: 2026-08-16. Review status: criteria provided, single submitter. Criteria: Ambry Variant Classification Scheme 2023. Collection method: clinical testing. Allele origin: germline.
Comment: The p.L34V variant (also known as c.100C>G), located in coding exon 2 of the MAP2K2 gene, results from a C to G substitution at nucleotide position 100. The leucine at codon 34 is replaced by valine, an amino acid with highly similar properties. This amino acid position is conserved. In addition, the in silico prediction for this alteration is inconclusive. Based on the available evidence, the clinical significance of this variant remains unclear.

NM_030662.4(MAP2K2):c.100C>G (p.Leu34Val)

Gene: MAP2K2 (mitogen-activated protein kinase kinase 2; minus strand). Cytogenetic location: 19p13.3.
Variant type: single nucleotide variant.
Coding change: c.100C>G on transcript NM_030662.4 (MANE Select); coding-DNA position 100, C replaced by G.
Protein change: p.Leu34Val; replaces leucine 34 with valine.
Molecular consequence: missense variant.
Genome position (GRCh38, 1-based): chr19:4,117,622, G>C on the plus strand (C>G on the coding strand, the complement: MAP2K2 is on the minus strand). VCF-style: chr19-4117622-G-C. GRCh37 (hg19) VCF-style: chr19-4117620-G-C.
Other names: c.100C>G, p.Leu34Val (NM_001440688.1); short protein forms L34V.
Identifiers: ClinVar variation 5023870 (VCV005023870.1).